The following is an entry in ClinVar:

NM_138420.4(AHNAK2):c.8350C>G (p.Gln2784Glu)

Gene: AHNAK2 (AHNAK nucleoprotein 2; minus strand). Cytogenetic location: 14q32.33.
Variant type: single nucleotide variant.
Coding change: c.8350C>G on transcript NM_138420.4 (MANE Select); coding-DNA position 8350, C replaced by G.
Protein change: p.Gln2784Glu; replaces glutamine 2784 with glutamic acid.
Molecular consequence: missense variant.
Genome position (GRCh38, 1-based): chr14:104,947,101, G>C on the plus strand (C>G on the coding strand, the complement: AHNAK2 is on the minus strand). VCF-style: chr14-104947101-G-C. GRCh37 (hg19) VCF-style: chr14-105413438-G-C.
Other names: c.8050C>G, p.Gln2684Glu (NM_001350929.2); short protein forms Q2684E, Q2784E.
Identifiers: ClinVar variation 4830471 (VCV004830471.1).

ClinVar aggregate classification (germline): Uncertain significance (1 of 4 stars; one submission).

Submission:

Ambry Genetics
Classification: Uncertain significance. Last evaluated: 2025-12-31. Review status: criteria provided, single submitter. Criteria: Ambry Variant Classification Scheme 2023. Collection method: clinical testing. Allele origin: germline.
Comment: The c.8350C>G (p.Q2784E) alteration is located in exon 7 (coding exon 7) of the AHNAK2 gene. This alteration results from a C to G substitution at nucleotide position 8350, causing the glutamine (Q) at amino acid position 2784 to be replaced by a glutamic acid (E). Based on data from gnomAD, the G allele has an overall frequency of 0.003% (7/279748) total alleles studied. The highest observed frequency was 0.013% (3/23896) of African alleles. Based on insufficient or conflicting evidence, the clinical significance of this alteration remains unclear.